The following is an entry in ClinVar:

NM_001018115.3(FANCD2):c.4029G>A (p.Gly1343=)

Genes: FANCD2 (FA complementation group D2; plus strand), FANCD2OS (FANCD2 opposite strand; minus strand). Cytogenetic location: 3p25.3.
Variant type: single nucleotide variant.
Coding change: c.4029G>A on transcript NM_001018115.3 (MANE Select); coding-DNA position 4029, G replaced by A.
Protein change: p.Gly1343=; no amino-acid change (glycine 1343 retained).
Molecular consequence: synonymous variant. On other transcripts: intron variant (1).
Genome position (GRCh38, 1-based): chr3:10,095,265, G>A. VCF-style: chr3-10095265-G-A. GRCh37 (hg19) VCF-style: chr3-10136949-G-A.
Other names: c.4029G>A, p.Gly1343= (NM_001319984.2, NM_033084.6); c.3918G>A, p.Gly1306= (NM_001374253.1); c.3990G>A, p.Gly1330= (NM_001374254.1); c.*43+8933C>T (NM_173472.2).
Identifiers: ClinVar variation 4085646 (VCV004085646.8).

ClinVar aggregate classification (germline): Likely benign. Review status: criteria provided, multiple submitters, no conflicts (2 of 4 stars). 2 submissions from 2 submitters: Likely benign (2). Last evaluated 2025-08-01.

Conditions:
Fanconi anemia (FA). Also called: Fanconi's anemia. Identifiers: Orphanet 84, MedGen C0015625, MeSH D005199, MONDO:0019391.

Submissions (2):

CeGaT Center for Human Genetics Tuebingen
Classification: Likely benign. Last evaluated: 2025-08-01. Review status: criteria provided, single submitter. Criteria: CeGaT Center For Human Genetics Tuebingen Variant Classification Criteria Version 2. Collection method: clinical testing. Allele origin: germline. Affected: yes. Observed: 1 variant allele.
Comment: FANCD2: PM2:Supporting, BP4, BP7

Labcorp Genetics (formerly Invitae), Labcorp
Classification: Likely benign for Fanconi anemia. Last evaluated: 2025-04-21. Review status: criteria provided, single submitter. Criteria: Invitae Variant Classification Sherloc (09022015). Collection method: clinical testing. Allele origin: germline.